The following is an entry in ClinVar:

ClinVar aggregate classification (germline): Uncertain significance (1 of 4 stars; one submission).

Conditions:
Pitt-Hopkins-like syndrome 2 (PTHSL2). Identifiers: Orphanet 221150, Orphanet 600663, MedGen C3280479, MONDO:0013690, OMIM 614325.

Submission:

Labcorp Genetics (formerly Invitae), Labcorp
Classification: Uncertain significance for Pitt-Hopkins-like syndrome 2. Last evaluated: 2022-11-30. Review status: criteria provided, single submitter. Criteria: Invitae Variant Classification Sherloc (09022015). Collection method: clinical testing. Allele origin: germline.
Comment: Algorithms developed to predict the effect of missense changes on protein structure and function are either unavailable or do not agree on the potential impact of this missense change (SIFT: "Deleterious"; PolyPhen-2: "Probably Damaging"; Align-GVGD: "Class C0"). In summary, the available evidence is currently insufficient to determine the role of this variant in disease. Therefore, it has been classified as a Variant of Uncertain Significance. This sequence change replaces methionine, which is neutral and non-polar, with valine, which is neutral and non-polar, at codon 1151 of the NRXN1 protein (p.Met1151Val). This variant is not present in population databases (gnomAD no frequency). This variant has not been reported in the literature in individuals affected with NRXN1-related conditions.

NM_001330078.2(NRXN1):c.3331A>G (p.Met1111Val)

Gene: NRXN1 (neurexin 1; minus strand). Cytogenetic location: 2p16.3.
Variant type: single nucleotide variant.
Coding change: c.3331A>G on transcript NM_001330078.2 (MANE Select); coding-DNA position 3331, A replaced by G.
Protein change: p.Met1111Val; replaces methionine 1111 with valine.
Molecular consequence: missense variant.
Genome position (GRCh38, 1-based): chr2:50,465,475, T>C on the plus strand (A>G on the coding strand, the complement: NRXN1 is on the minus strand). VCF-style: chr2-50465475-T-C. GRCh37 (hg19) VCF-style: chr2-50692613-T-C.
Other names: c.3280A>G, p.Met1094Val (NM_001330095.2); c.3220A>G, p.Met1074Val (NM_001330096.2, NM_001330087.2); c.3331A>G, p.Met1111Val (NM_004801.6, NM_001330086.2); c.3451A>G, p.Met1151Val (NM_001135659.3); c.3307A>G, p.Met1103Val (NM_001330077.2, NM_001330082.2); c.3265A>G, p.Met1089Val (NM_001330083.2, NM_001330084.2); c.3304A>G, p.Met1102Val (NM_001330085.2); c.3250A>G, p.Met1084Val (NM_001330088.2); and 2 more; short protein forms M1102V, M1084V, M1089V, M1094V, M1110V, M1151V, M1074V, M1103V.
Identifiers: ClinVar variation 2817650 (VCV002817650.3), dbSNP rs2468583198, ClinGen allele CA346770284.
Genomic context (GRCh38, chr2:50,465,475, plus strand): 5'-TCAGTCCATACTCAGAGAGGTACTTACGGTCATTGCAGAGTGGTCCACTGAAGGAAGTCA[T>C]ACTACAGTCACAGCTGAAGCCATCCCATTGTTGCAAGCACACACCTTGATTGGAACATGA-3'
Protein context (NP_001317007.1, residues 1101-1121): QWDGFSCDCS[Met1111Val]TSFSGPLCND